The following is an entry in ClinVar:

NM_001378418.1(TCF20):c.1411C>T (p.Gln471Ter)

Gene: TCF20 (transcription factor 20; minus strand). Cytogenetic location: 22q13.2.
Variant type: single nucleotide variant.
Coding change: c.1411C>T on transcript NM_001378418.1 (MANE Select); coding-DNA position 1411, C replaced by T.
Protein change: p.Gln471Ter; replaces glutamine 471 with a stop codon.
Molecular consequence: nonsense.
Genome position (GRCh38, 1-based): chr22:42,213,895, G>A on the plus strand (C>T on the coding strand, the complement: TCF20 is on the minus strand). VCF-style: chr22-42213895-G-A. GRCh37 (hg19) VCF-style: chr22-42609901-G-A.
Other names: c.1411C>T, p.Gln471Ter (NM_005650.4, NM_181492.3); short protein forms Q471*.
Identifiers: ClinVar variation 1679275 (VCV001679275.4), dbSNP rs2147217152, ClinGen allele CA411790876.
Genomic context (GRCh38, chr22:42,213,895, plus strand): 5'-ATGAGGGCCTCTTGGAGGTCTTCTTCTGAGGAGTCAGGGCATCAGAAAGTAACATGTGCT[G>A]GACAGTGTTAGGAAGATTGGCCACTTGAGTACTCAGAGCACTCAAACTACTCAACCCAGG-3'

ClinVar aggregate classification (germline): Pathogenic. Review status: criteria provided, multiple submitters, no conflicts (2 of 4 stars). 2 submissions from 2 submitters: Pathogenic (2). Last evaluated 2023-02-10.

Conditions:
Developmental delay with variable intellectual impairment and behavioral abnormalities. Identifiers: MedGen C5193092, MONDO:0032745, OMIM 618430.

Submissions (2):

Medical Genetics Center, Maternal and Child Health Hospital of Hubei Province
Classification: Pathogenic for Developmental delay with variable intellectual impairment and behavioral abnormalities. Last evaluated: 2023-02-10. Review status: criteria provided, single submitter. Criteria: ACMG Guidelines, 2015. Collection method: clinical testing. Allele origin: de novo. Affected: yes.
Comment: PVS1 + PM2 + PS2_Moderate

Department of Clinical Genetics, Copenhagen University Hospital, Rigshospitalet
Classification: Pathogenic for Developmental delay with variable intellectual impairment and behavioral abnormalities. Last evaluated: 2021-08-01. Review status: criteria provided, single submitter. Criteria: ACMG Guidelines, 2015. Collection method: clinical testing. Allele origin: de novo. Affected: yes.